The following is an entry in ClinVar:

NM_000256.3(MYBPC3):c.1799A>C (p.Lys600Thr)

Gene: MYBPC3 (myosin binding protein C3; minus strand). Cytogenetic location: 11p11.2.
Variant type: single nucleotide variant.
Coding change: c.1799A>C on transcript NM_000256.3 (MANE Select); coding-DNA position 1799, A replaced by C.
Protein change: p.Lys600Thr; replaces lysine 600 with threonine.
Molecular consequence: missense variant.
Genome position (GRCh38, 1-based): chr11:47,341,236, T>G on the plus strand (A>C on the coding strand, the complement: MYBPC3 is on the minus strand). VCF-style: chr11-47341236-T-G. GRCh37 (hg19) VCF-style: chr11-47362787-T-G.
Other names: short protein forms K600T.
Identifiers: ClinVar variation 3074486 (VCV003074486.1), dbSNP rs2142859413, ClinGen allele CA380324063.

ClinVar aggregate classification (germline): Uncertain significance (1 of 4 stars; one submission).

Conditions:
Hypertrophic cardiomyopathy. Also called: HYPERTROPHIC MYOCARDIOPATHY. Identifiers: Orphanet 217569, MedGen C0007194, MeSH D002312, MONDO:0005045, HP:0001639.

Submission:

All of Us Research Program, National Institutes of Health
Classification: Uncertain significance for Hypertrophic cardiomyopathy. Last evaluated: 2023-11-20. Review status: criteria provided, single submitter. Criteria: ACMG Guidelines, 2015. Collection method: clinical testing. Allele origin: germline. Inheritance: Autosomal dominant inheritance. Observed: 1 variant allele, 1 heterozygote.
Comment: This missense variant replaces lysine with threonine at codon 600 of the MYBPC3 protein. Computational prediction suggests that this variant may not impact protein structure and function (internally defined REVEL score threshold <= 0.5, PMID: 27666373). To our knowledge, functional studies have not been reported for this variant. This variant has not been reported in individuals affected with MYBPC3-related disorders in the literature. This variant has not been identified in the general population by the Genome Aggregation Database (gnomAD). The available evidence is insufficient to determine the role of this variant in disease conclusively. Therefore, this variant is classified as a Variant of Uncertain Significance.

This study involves interpretation of variants in research participants for the purpose of population health screening. Participant phenotype was not available at the time of variant classification. Additional details can be found in publication PMID: 35346344, PMCID: PMC8962531